The following is an entry in ClinVar:

NM_000574.5(CD55):c.665-3A>C

Gene: CD55 (CD55 molecule (Cromer blood group); plus strand). Cytogenetic location: 1q32.2.
Variant type: single nucleotide variant.
Coding change: c.665-3A>C on transcript NM_000574.5 (MANE Select); 3 bases into the intron before coding-DNA position 665, A replaced by C.
Molecular consequence: intron variant.
Genome position (GRCh38, 1-based): chr1:207,331,105, A>C. VCF-style: chr1-207331105-A-C. GRCh37 (hg19) VCF-style: chr1-207504450-A-C.
Other names: c.665-3A>C (NM_001114752.3, NM_001300903.2, NM_001300904.2 and 1 more transcripts).
Identifiers: ClinVar variation 1491981 (VCV001491981.4), dbSNP rs761537574, ClinGen allele CA1368073.

ClinVar aggregate classification (germline): Uncertain significance. Review status: criteria provided, multiple submitters, no conflicts (2 of 4 stars). 2 submissions from 2 submitters: Uncertain significance (2). Last evaluated 2026-08-01.

Allele frequency attached by ClinVar (database versions not stated): ExAC 0.00002; gnomAD exomes 0.00002 and 0.00004; gnomAD 0.00003 and 0.00004; TOPMed 0.00003.
gnomAD v4.1: 36 of 1,590,738 alleles (0.0023%); highest among the groups gnomAD compares: Middle Eastern, 0.017%; no homozygotes.

Submissions (2):

CeGaT Center for Human Genetics Tuebingen
Classification: Uncertain significance. Last evaluated: 2026-08-01. Review status: criteria provided, single submitter. Criteria: CeGaT Center For Human Genetics Tuebingen Variant Classification Criteria Version 2. Collection method: clinical testing. Allele origin: germline. Affected: yes. Observed: 1 variant allele.
Comment: CD55: PM2, BP4

Labcorp Genetics (formerly Invitae), Labcorp
Classification: Uncertain significance. Last evaluated: 2022-08-19. Review status: criteria provided, single submitter. Criteria: Invitae Variant Classification Sherloc (09022015). Collection method: clinical testing. Allele origin: germline.
Comment: This sequence change falls in intron 5 of the CD55 gene. It does not directly change the encoded amino acid sequence of the CD55 protein. It affects a nucleotide within the consensus splice site. This variant is present in population databases (rs761537574, gnomAD 0.008%). This variant has not been reported in the literature in individuals affected with CD55-related conditions. ClinVar contains an entry for this variant (Variation ID: 1491981). Variants that disrupt the consensus splice site are a relatively common cause of aberrant splicing (PMID: 17576681, 9536098). Algorithms developed to predict the effect of sequence changes on RNA splicing suggest that this variant may create or strengthen a splice site. In summary, the available evidence is currently insufficient to determine the role of this variant in disease. Therefore, it has been classified as a Variant of Uncertain Significance.

Literature cited by the submitters: PubMed 17576681 (cited by Labcorp Genetics (formerly Invitae), Labcorp); PubMed 9536098 (cited by Labcorp Genetics (formerly Invitae), Labcorp).